The following is an entry in ClinVar:

ClinVar aggregate classification (germline): Uncertain significance. Review status: criteria provided, multiple submitters, no conflicts (2 of 4 stars). 3 submissions from 3 submitters: Uncertain significance (2). 1 of the submissions does not count toward it. Last evaluated 2026-09-15.

Conditions:
Ehlers-Danlos syndrome, dermatosparaxis type. Also called: Ehlers-Danlos syndrome, type VII, autosomal recessive; Dermatosparaxis; EDS VIIC. Identifiers: Orphanet 1901, MedGen C2700425, MONDO:0009161, OMIM 225410.

Allele frequency attached by ClinVar (database versions not stated): ExAC 0.00002; gnomAD 0.00002; gnomAD exomes 0.00002 and 0.00005; TOPMed 0.00003; ESP Exome Variant Server 0.00008.
gnomAD v4.1: 70 of 1,612,356 alleles (0.0043%); highest among the groups gnomAD compares: Non-Finnish European, 0.0058%; no homozygotes.

Submissions (3):

GeneDx
Classification: Uncertain significance. Last evaluated: 2026-09-15. Review status: criteria provided, single submitter. Criteria: GeneDx Variant Classification Process June 2021. Collection method: clinical testing. Allele origin: germline.
Comment: Not observed at significant frequency in large population cohorts (gnomAD); In silico analysis suggests that this missense variant does not alter protein structure/function; Has not been previously published as pathogenic or benign to our knowledge

Labcorp Genetics (formerly Invitae), Labcorp
Classification: Uncertain significance for Ehlers-Danlos syndrome, dermatosparaxis type. Last evaluated: 2022-07-30. Review status: criteria provided, single submitter. Criteria: Invitae Variant Classification Sherloc (09022015). Collection method: clinical testing. Allele origin: germline.
Comment: This sequence change replaces histidine, which is basic and polar, with tyrosine, which is neutral and polar, at codon 1113 of the ADAMTS2 protein (p.His1113Tyr). This variant is present in population databases (rs372096858, gnomAD 0.004%). This variant has not been reported in the literature in individuals affected with ADAMTS2-related conditions. ClinVar contains an entry for this variant (Variation ID: 863049). Algorithms developed to predict the effect of missense changes on protein structure and function (SIFT, PolyPhen-2, Align-GVGD) all suggest that this variant is likely to be tolerated. In summary, the available evidence is currently insufficient to determine the role of this variant in disease. Therefore, it has been classified as a Variant of Uncertain Significance.

Natera, Inc.
Classification: Uncertain significance for Ehlers-Danlos syndrome type VIIC. Last evaluated: 2020-11-23. Review status: no assertion criteria provided. Collection method: clinical testing. Allele origin: germline. Not counted in ClinVar's aggregate classification.

NM_014244.5(ADAMTS2):c.3337C>T (p.His1113Tyr)

Gene: ADAMTS2 (ADAM metallopeptidase with thrombospondin type 1 motif 2; minus strand). Cytogenetic location: 5q35.3.
Variant type: single nucleotide variant.
Coding change: c.3337C>T on transcript NM_014244.5 (MANE Select); coding-DNA position 3337, C replaced by T.
Protein change: p.His1113Tyr; replaces histidine 1113 with tyrosine.
Molecular consequence: missense variant.
Genome position (GRCh38, 1-based): chr5:179,114,166, G>A on the plus strand (C>T on the coding strand, the complement: ADAMTS2 is on the minus strand). VCF-style: chr5-179114166-G-A. GRCh37 (hg19) VCF-style: chr5-178541167-G-A.
Other names: short protein forms H1113Y.
Identifiers: ClinVar variation 863049 (VCV000863049.9), dbSNP rs372096858, ClinGen allele CA3595254.
Genomic context (GRCh38, chr5:179,114,166, plus strand): 5'-GCACCTCCATGGCTACAGTGGGCACTGGGAGGGTAGGCATGAACACGTCAATGTCGTTGT[G>A]CTTCCCAGGCGGTGGCTCTATCCTGCCCTCCACGTTGGTGAGGTTGTTGTACAGGTTACA-3'
Protein context (NP_055059.2, residues 1103-1123): EGRIEPPPGK[His1113Tyr]NDIDVFMPTL